The following is an entry in ClinVar:

NM_001256447.2(BCAP31):c.17C>T (p.Thr6Ile)

Gene: BCAP31 (B cell receptor associated protein 31; minus strand). Cytogenetic location: Xq28.
Variant type: single nucleotide variant.
Coding change: c.17C>T on transcript NM_001256447.2 (MANE Select); coding-DNA position 17, C replaced by T.
Protein change: p.Thr6Ile; replaces threonine 6 with isoleucine.
Molecular consequence: missense variant.
Genome position (GRCh38, 1-based): chrX:153,723,228, G>A on the plus strand (C>T on the coding strand, the complement: BCAP31 is on the minus strand). VCF-style: chrX-153723228-G-A. GRCh37 (hg19) VCF-style: chrX-152988683-G-A.
Other names: c.17C>T, p.Thr6Ile (NM_001139441.1, NM_005745.8); c.218C>T, p.Thr73Ile (NM_001139457.2); short protein forms T6I, T73I.
Identifiers: ClinVar variation 1308285 (VCV001308285.5), dbSNP rs1557051461, ClinGen allele CA415096218.
Genomic context (GRCh38, chrX:153,723,228, plus strand): 5'-AAGGGAATGCAGAGAAGCAACACAACAAAGACCTCCGCATAGAGGAAGGTGGCAACTGCA[G>A]TCCACTGCAGACTCATCCTGTTGCTAGAAGGTTTCCCACAGGAAGATGTGAGCTTGTTTC-3'
Protein context (NP_001243376.1, residues 1-16): MSLQW[Thr6Ile]AVATFLYAEV

ClinVar aggregate classification (germline): Uncertain significance. Review status: criteria provided, multiple submitters, no conflicts (2 of 4 stars). 2 submissions from 2 submitters: Uncertain significance (2). Last evaluated 2023-09-27.

Allele frequency attached by ClinVar (database versions not stated): gnomAD exomes below 0.00001 and 0.00001.
gnomAD v4.1: 1 of 1,210,178 alleles (0.000083%); highest among the groups gnomAD compares: Admixed American, 0.0022%; no homozygotes.

Submissions (2):

Labcorp Genetics (formerly Invitae), Labcorp
Classification: Uncertain significance. Last evaluated: 2023-09-27. Review status: criteria provided, single submitter. Criteria: Invitae Variant Classification Sherloc (09022015). Collection method: clinical testing. Allele origin: germline.
Comment: ClinVar contains an entry for this variant (Variation ID: 1308285). This variant has not been reported in the literature in individuals affected with BCAP31-related conditions. The frequency data for this variant in the population databases is considered unreliable, as metrics indicate poor data quality at this position in the gnomAD database. An algorithm developed to predict the effect of missense changes on protein structure and function (PolyPhen-2) suggests that this variant is likely to be tolerated. In summary, the available evidence is currently insufficient to determine the role of this variant in disease. Therefore, it has been classified as a Variant of Uncertain Significance. This sequence change replaces threonine, which is neutral and polar, with isoleucine, which is neutral and non-polar, at codon 6 of the BCAP31 protein (p.Thr6Ile).

GeneDx
Classification: Uncertain significance. Last evaluated: 2019-03-28. Review status: criteria provided, single submitter. Criteria: GeneDx Variant Classification Process June 2021. Collection method: clinical testing. Allele origin: germline. Affected: yes.
Comment: In silico analysis, which includes protein predictors and evolutionary conservation, supports a deleterious effect; Has not been previously published as pathogenic or benign to our knowledge